The following is an entry in ClinVar:

NM_002047.4(GARS1):c.641C>A (p.Ala214Asp)

Gene: GARS1 (glycyl-tRNA synthetase 1; plus strand). Cytogenetic location: 7p14.3.
Variant type: single nucleotide variant.
Coding change: c.641C>A on transcript NM_002047.4 (MANE Select); coding-DNA position 641, C replaced by A.
Protein change: p.Ala214Asp; replaces alanine 214 with aspartic acid.
Molecular consequence: missense variant.
Genome position (GRCh38, 1-based): chr7:30,603,105, C>A. VCF-style: chr7-30603105-C-A. GRCh37 (hg19) VCF-style: chr7-30642721-C-A.
Other names: c.479C>A, p.Ala160Asp (NM_001316772.1); short protein forms A160D, A214D.
Identifiers: ClinVar variation 1994573 (VCV001994573.4), dbSNP rs1432382806, ClinGen allele CA367139811.

ClinVar aggregate classification (germline): Uncertain significance (1 of 4 stars; one submission).

Conditions:
Charcot-Marie-Tooth disease type 2. Also called: Charcot-Marie-Tooth type 2. Identifiers: Orphanet 64746, MedGen C0270914, MONDO:0018993.

Submission:

Labcorp Genetics (formerly Invitae), Labcorp
Classification: Uncertain significance for Charcot-Marie-Tooth disease type 2. Last evaluated: 2022-09-23. Review status: criteria provided, single submitter. Criteria: Invitae Variant Classification Sherloc (09022015). Collection method: clinical testing. Allele origin: germline.
Comment: In summary, the available evidence is currently insufficient to determine the role of this variant in disease. Therefore, it has been classified as a Variant of Uncertain Significance. Advanced modeling of protein sequence and biophysical properties (such as structural, functional, and spatial information, amino acid conservation, physicochemical variation, residue mobility, and thermodynamic stability) has been performed at Invitae for this missense variant, however the output from this modeling did not meet the statistical confidence thresholds required to predict the impact of this variant on GARS protein function. This variant has not been reported in the literature in individuals affected with GARS-related conditions. This variant is not present in population databases (gnomAD no frequency). This sequence change replaces alanine, which is neutral and non-polar, with aspartic acid, which is acidic and polar, at codon 214 of the GARS protein (p.Ala214Asp).